The following is an entry in ClinVar:

NM_001164508.2(NEB):c.8978A>G (p.Lys2993Arg)

Gene: NEB (nebulin; minus strand). Cytogenetic location: 2q23.3.
Variant type: single nucleotide variant.
Coding change: c.8978A>G on transcript NM_001164508.2 (MANE Select); coding-DNA position 8978, A replaced by G.
Protein change: p.Lys2993Arg; replaces lysine 2993 with arginine.
Molecular consequence: missense variant. On other transcripts: intron variant (1).
Genome position (GRCh38, 1-based): chr2:151,639,296, T>C on the plus strand (A>G on the coding strand, the complement: NEB is on the minus strand). VCF-style: chr2-151639296-T-C. GRCh37 (hg19) VCF-style: chr2-152495810-T-C.
Other names: p.Lys2993Arg; c.8978A>G, p.Lys2993Arg (NM_001164507.2, NM_001271208.2); c.8853+597A>G (NM_004543.5); short protein forms K2993R.
Identifiers: ClinVar variation 444519 (VCV000444519.55), dbSNP rs138217855, ClinGen allele CA1909458.

ClinVar aggregate classification (germline): Conflicting classifications of pathogenicity. Review status: criteria provided, conflicting classifications (1 of 4 stars). 6 submissions from 6 submitters: Uncertain significance (3); Benign (1); Likely benign (1). 1 of the submissions does not count toward it. Last evaluated 2026-09-21.

Conditions:
Nemaline myopathy 2 (NEM2). Also called: Nemaline myopathy 2, autosomal recessive. Identifiers: MedGen C1850569, MONDO:0009725, OMIM 256030.

Allele frequency attached by ClinVar (database versions not stated): 1000 Genomes Project 30x 0.00016; 1000 Genomes Project 0.00020; gnomAD exomes 0.00053 and 0.00120; ExAC 0.00063; gnomAD 0.00064 and 0.00066; TOPMed 0.00069; ESP Exome Variant Server 0.00131.
gnomAD v4.1: 1,726 of 1,541,116 alleles (0.11%); highest among the groups gnomAD compares: Non-Finnish European, 0.15%; no homozygotes.

Submissions (6):

GeneDx
Classification: Uncertain significance. Last evaluated: 2026-09-21. Review status: criteria provided, single submitter. Criteria: GeneDx Variant Classification Process June 2021. Collection method: clinical testing. Allele origin: germline.
Comment: See Variant Classification Assertion Criteria.

Labcorp Genetics (formerly Invitae), Labcorp
Classification: Benign for Nemaline myopathy 2. Last evaluated: 2026-01-20. Review status: criteria provided, single submitter. Criteria: Invitae Variant Classification Sherloc (09022015). Collection method: clinical testing. Allele origin: germline.

Mayo Clinic Laboratories, Mayo Clinic
Classification: Uncertain significance. Last evaluated: 2025-08-02. Review status: criteria provided, single submitter. Criteria: ACMG Guidelines, 2015. Collection method: clinical testing. Allele origin: germline. Observed: 1 variant allele.
Comment: BP4_moderate

CeGaT Center for Human Genetics Tuebingen
Classification: Likely benign. Last evaluated: 2024-02-01. Review status: criteria provided, single submitter. Criteria: CeGaT Center For Human Genetics Tuebingen Variant Classification Criteria Version 2. Collection method: clinical testing. Allele origin: germline. Affected: yes. Observed: 3 variant alleles.
Comment: NEB: BP4

Athena Diagnostics
Classification: Uncertain significance. Last evaluated: 2020-02-20. Review status: criteria provided, single submitter. Criteria: Athena Diagnostics Criteria. Collection method: clinical testing. Allele origin: unknown.

Natera, Inc.
Classification: Uncertain significance for Nemaline myopathy type 2. Last evaluated: 2019-11-11. Review status: no assertion criteria provided. Collection method: clinical testing. Allele origin: germline. Not counted in ClinVar's aggregate classification.